The following is an entry in ClinVar:

ClinVar aggregate classification (germline): Uncertain significance. Review status: criteria provided, multiple submitters, no conflicts (2 of 4 stars). 2 submissions from 2 submitters: Uncertain significance (2). Last evaluated 2025-08-26.

Conditions:
MHC class I deficiency. Identifiers: Orphanet 34592, MedGen C6024714, MONDO:0011476.

Allele frequency attached by ClinVar (database versions not stated): ExAC 0.00001; gnomAD 0.00001; gnomAD exomes 0.00002.
gnomAD v4.1: 10 of 1,613,660 alleles (0.00062%); highest among the groups gnomAD compares: Admixed American, 0.015%; no homozygotes.

Submissions (2):

Labcorp Genetics (formerly Invitae), Labcorp
Classification: Uncertain significance for MHC class I deficiency 1. Last evaluated: 2025-08-26. Review status: criteria provided, single submitter. Criteria: Invitae Variant Classification Sherloc (09022015). Collection method: clinical testing. Allele origin: germline.
Comment: This sequence change replaces isoleucine, which is neutral and non-polar, with valine, which is neutral and non-polar, at codon 25 of the TAPBP protein (p.Ile25Val). This variant is present in population databases (rs752996039, gnomAD 0.02%). This variant has not been reported in the literature in individuals affected with TAPBP-related conditions. ClinVar contains an entry for this variant (Variation ID: 2725752). An algorithm developed to predict the effect of missense changes on protein structure and function (PolyPhen-2) suggests that this variant is likely to be tolerated. In summary, the available evidence is currently insufficient to determine the role of this variant in disease. Therefore, it has been classified as a Variant of Uncertain Significance.

Ambry Genetics
Classification: Uncertain significance. Last evaluated: 2025-06-29. Review status: criteria provided, single submitter. Criteria: Ambry Variant Classification Scheme 2023. Collection method: clinical testing. Allele origin: germline.

NM_003190.5(TAPBP):c.73A>G (p.Ile25Val)

Gene: TAPBP (TAP binding protein; minus strand). Cytogenetic location: 6p21.32.
Variant type: single nucleotide variant.
Coding change: c.73A>G on transcript NM_003190.5 (MANE Select); coding-DNA position 73, A replaced by G.
Protein change: p.Ile25Val; replaces isoleucine 25 with valine.
Molecular consequence: missense variant.
Genome position (GRCh38, 1-based): chr6:33,313,829, T>C on the plus strand (A>G on the coding strand, the complement: TAPBP is on the minus strand). VCF-style: chr6-33313829-T-C. GRCh37 (hg19) VCF-style: chr6-33281606-T-C.
Other names: c.73A>G, p.Ile25Val (NM_001410875.1, NM_172208.3, NM_172209.3); short protein forms I25V.
Identifiers: ClinVar variation 2725752 (VCV002725752.4), dbSNP rs752996039, ClinGen allele CA3755975.